The following is an entry in ClinVar:

NM_001972.4(ELANE):c.761G>A (p.Cys254Tyr)

Gene: ELANE (elastase, neutrophil expressed; plus strand). Cytogenetic location: 19p13.3.
Variant type: single nucleotide variant.
Coding change: c.761G>A on transcript NM_001972.4 (MANE Select); coding-DNA position 761, G replaced by A.
Protein change: p.Cys254Tyr; replaces cysteine 254 with tyrosine.
Molecular consequence: missense variant.
Genome position (GRCh38, 1-based): chr19:856,121, G>A. VCF-style: chr19-856121-G-A. GRCh37 (hg19) VCF-style: chr19-856121-G-A.
Other names: short protein forms C254Y.
Identifiers: ClinVar variation 2952578 (VCV002952578.4), dbSNP rs2512169518, ClinGen allele CA402919442.

ClinVar aggregate classification (germline): Uncertain significance. Review status: criteria provided, multiple submitters, no conflicts (2 of 4 stars). 2 submissions from 2 submitters: Uncertain significance (2). Last evaluated 2025-07-11.

Conditions:
Inborn genetic diseases. Identifiers: MedGen C0950123, MeSH D030342.
Neutropenia, severe congenital, 1, autosomal dominant. Identifiers: MedGen C1859966, MONDO:0042490, OMIM 202700.
Cyclical neutropenia. Also called: Cyclic Neutropenia; Cyclic hematopoiesis. Identifiers: Orphanet 2686, MedGen C0221023, MONDO:0008090, OMIM 162800, HP:0040289. Disease mechanism: loss of function.

Submissions (2):

Ambry Genetics
Classification: Uncertain significance for Inborn genetic diseases. Last evaluated: 2025-07-11. Review status: criteria provided, single submitter. Criteria: Ambry Variant Classification Scheme 2023. Collection method: clinical testing. Allele origin: germline.
Comment: The p.C254Y variant (also known as c.761G>A), located in coding exon 5 of the ELANE gene, results from a G to A substitution at nucleotide position 761. The cysteine at codon 254 is replaced by tyrosine, an amino acid with highly dissimilar properties. This amino acid position is conserved. In addition, this alteration is predicted to be tolerated by in silico analysis. Based on the available evidence, the clinical significance of this variant remains unclear.

Labcorp Genetics (formerly Invitae), Labcorp
Classification: Uncertain significance for Neutropenia, severe congenital, 1, autosomal dominant; Cyclical neutropenia. Last evaluated: 2023-10-17. Review status: criteria provided, single submitter. Criteria: Invitae Variant Classification Sherloc (09022015). Collection method: clinical testing. Allele origin: germline.
Comment: This sequence change replaces cysteine, which is neutral and slightly polar, with tyrosine, which is neutral and polar, at codon 254 of the ELANE protein (p.Cys254Tyr). This variant is not present in population databases (gnomAD no frequency). This variant has not been reported in the literature in individuals affected with ELANE-related conditions. Algorithms developed to predict the effect of missense changes on protein structure and function output the following: SIFT: "Not Available"; PolyPhen-2: "Benign"; Align-GVGD: "Not Available". The tyrosine amino acid residue is found in multiple mammalian species, which suggests that this missense change does not adversely affect protein function. In summary, the available evidence is currently insufficient to determine the role of this variant in disease. Therefore, it has been classified as a Variant of Uncertain Significance.